The following is an entry in ClinVar:

NM_024642.5(GALNT12):c.1197C>T (p.Asn399=)

Gene: GALNT12 (polypeptide N-acetylgalactosaminyltransferase 12; plus strand). Cytogenetic location: 9q22.33.
Variant type: single nucleotide variant.
Coding change: c.1197C>T on transcript NM_024642.5 (MANE Select); coding-DNA position 1197, C replaced by T.
Protein change: p.Asn399=; no amino-acid change (asparagine 399 retained).
Molecular consequence: synonymous variant.
Genome position (GRCh38, 1-based): chr9:98,837,133, C>T. VCF-style: chr9-98837133-C-T. GRCh37 (hg19) VCF-style: chr9-101599415-C-T.
Identifiers: ClinVar variation 485674 (VCV000485674.18), dbSNP rs202043243, ClinGen allele CA5154183.

ClinVar aggregate classification (germline): Benign/Likely benign. Review status: criteria provided, multiple submitters, no conflicts (2 of 4 stars). 5 submissions from 5 submitters: Benign (1); Likely benign (3). 1 of the submissions does not count toward it. Last evaluated 2026-04-27.

Conditions:
GALNT12-related disorder. Also called: GALNT12-related condition.
Colorectal cancer, susceptibility to, 1. Also called: COLORECTAL ADENOMA AND CANCER, SUSCEPTIBILITY TO; COLORECTAL CANCER, SUSCEPTIBILITY TO, ON CHROMOSOME 9. Identifiers: MedGen C1837315, MONDO:0012132, OMIM 608812.

Allele frequency attached by ClinVar (database versions not stated): TOPMed 0.00002; gnomAD exomes 0.00004; gnomAD 0.00003; ExAC 0.00008.

Submissions (5):

Myriad Genetics, Inc.
Classification: Benign for Colorectal cancer, susceptibility to, 1. Last evaluated: 2026-04-27. Review status: criteria provided, single submitter. Criteria: Myriad Autosomal Dominant, Autosomal Recessive and X-Linked Classification Criteria (2023). Collection method: clinical testing. Allele origin: unknown.
Comment: This variant is considered benign. This variant is a silent/synonymous amino acid change and it is not expected to impact splicing.

Labcorp Genetics (formerly Invitae), Labcorp
Classification: Likely benign. Last evaluated: 2021-06-15. Review status: criteria provided, single submitter. Criteria: Invitae Variant Classification Sherloc (09022015). Collection method: clinical testing. Allele origin: germline.

Ambry Genetics
Classification: Likely benign. Last evaluated: 2017-07-19. Review status: criteria provided, single submitter. Criteria: Ambry Variant Classification Scheme 2023. Collection method: clinical testing. Allele origin: germline.

Breakthrough Genomics
Classification: Likely benign. Review status: criteria provided, single submitter. Criteria: ACMG Guidelines, 2015. Collection method: not provided. Allele origin: germline. Inheritance: Unknown mechanism. Affected: yes.

PreventionGenetics, part of Exact Sciences
Classification: Likely benign for GALNT12-related condition. Last evaluated: 2021-02-16. Review status: no assertion criteria provided. Collection method: clinical testing. Allele origin: germline. Not counted in ClinVar's aggregate classification.
Comment: This variant is classified as likely benign based on ACMG/AMP sequence variant interpretation guidelines (Richards et al. 2015 PMID: 25741868, with internal and published modifications).